The following is an entry in ClinVar:

NM_016302.4(CRBN):c.846_847del (p.Tyr282_Arg283delinsTer)

Gene: CRBN (cereblon; minus strand). Cytogenetic location: 3p26.2.
Variant type: Deletion.
Coding change: c.846_847del on transcript NM_016302.4 (MANE Select); coding-DNA positions 846 to 847, 2 bases deleted (CA; older notation c.846_847delCA).
Protein change: p.Tyr282_Arg283delinsTer.
Molecular consequence: nonsense.
Genome position (GRCh38, 1-based): chr3:3,154,064-3,154,065, TG deleted on the plus strand (CA on the coding strand, the reverse complement: CRBN is on the minus strand); deleting any 2 consecutive bases within chr3:3,154,064-3,154,066 gives the same sequence; the c. name uses the placement nearest the transcript's 3' end. VCF-style (leftmost placement, unchanged base first): chr3-3154063-CTG-C. GRCh37 (hg19) VCF-style: chr3-3195747-CTG-C.
Other names: c.843_844del, p.Tyr281_Arg282delinsTer (NM_001173482.1).
Identifiers: ClinVar variation 4071608 (VCV004071608.2).

ClinVar aggregate classification (germline): Pathogenic (1 of 4 stars; one submission).

Submission:

GeneDx
Classification: Pathogenic. Last evaluated: 2026-02-03. Review status: criteria provided, single submitter. Criteria: GeneDx Variant Classification Process June 2021. Collection method: clinical testing. Allele origin: germline.
Comment: Nonsense variant predicted to result in protein truncation or nonsense mediated decay in a gene for which loss of function is a known mechanism of disease; Has not been previously published as pathogenic or benign to our knowledge